The following is an entry in ClinVar:

ClinVar aggregate classification (germline): Uncertain significance (1 of 4 stars; one submission).

Submission:

GeneDx
Classification: Uncertain significance. Last evaluated: 2022-02-17. Review status: criteria provided, single submitter. Criteria: GeneDx Variant Classification Process June 2021. Collection method: clinical testing. Allele origin: germline. Affected: yes.
Comment: Not observed at significant frequency in large population cohorts (gnomAD); In silico analysis supports that this missense variant has a deleterious effect on protein structure/function; Has not been previously published as pathogenic or benign to our knowledge

NM_001374353.1(GLI2):c.1890G>C (p.Lys630Asn)

Gene: GLI2 (GLI family zinc finger 2; plus strand). Cytogenetic location: 2q14.2.
Variant type: single nucleotide variant.
Coding change: c.1890G>C on transcript NM_001374353.1 (MANE Select); coding-DNA position 1890, G replaced by C.
Protein change: p.Lys630Asn; replaces lysine 630 with asparagine.
Molecular consequence: missense variant.
Genome position (GRCh38, 1-based): chr2:120,984,728, G>C. VCF-style: chr2-120984728-G-C. GRCh37 (hg19) VCF-style: chr2-121742304-G-C.
Other names: c.1941G>C, p.Lys647Asn (NM_001371271.1, NM_005270.5); c.1515G>C, p.Lys505Asn (NM_001374354.1); short protein forms K505N, K630N, K647N.
Identifiers: ClinVar variation 1702680 (VCV001702680.2), dbSNP rs565184396, ClinGen allele CA348163472.
Genomic context (GRCh38, chr2:120,984,728, plus strand): 5'-CACCGAGGCCAGCAGCACCAGCCAGGCCGTGGAGGACTGCCTGCACGTCAGAGCCATCAA[G>C]ACCGAGAGCTCCGGGGTAAGCGGAGCTGGGCAGCCCAGCCACGCAAGGCGACTCCATAGC-3'
Protein context (NP_001361282.1, residues 620-640): VEDCLHVRAI[Lys630Asn]TESSGLCQSS